The following is an entry in ClinVar:

ClinVar aggregate classification (germline): Uncertain significance (1 of 4 stars; one submission).

Conditions:
Norman-Roberts syndrome (LIS2). Also called: Lissencephaly 2 (Norman-Roberts type). Identifiers: Orphanet 89844, MedGen C0796089, MONDO:0009760, OMIM 257320.
Familial temporal lobe epilepsy 7. Identifiers: Orphanet 101046, MedGen C4225327, MONDO:0014639, OMIM 616436.

Allele frequency attached by ClinVar (database versions not stated): gnomAD 0.00001; TOPMed 0.00001; ExAC 0.00002.
gnomAD v4.1: 2 of 1,589,432 alleles (0.00013%); highest among the groups gnomAD compares: African/African-American, 0.0027%; no homozygotes.

Submission:

Labcorp Genetics (formerly Invitae), Labcorp
Classification: Uncertain significance for Familial temporal lobe epilepsy 7; Norman-Roberts syndrome. Last evaluated: 2024-05-15. Review status: criteria provided, single submitter. Criteria: Invitae Variant Classification Sherloc (09022015). Collection method: clinical testing. Allele origin: germline.
Comment: This sequence change falls in intron 18 of the RELN gene. It does not directly change the encoded amino acid sequence of the RELN protein. It affects a nucleotide within the consensus splice site. This variant is present in population databases (rs770278855, gnomAD 0.01%). This variant has not been reported in the literature in individuals affected with RELN-related conditions. ClinVar contains an entry for this variant (Variation ID: 2026160). Variants that disrupt the consensus splice site are a relatively common cause of aberrant splicing (PMID: 17576681, 9536098). Algorithms developed to predict the effect of sequence changes on RNA splicing suggest that this variant is not likely to affect RNA splicing. In summary, the available evidence is currently insufficient to determine the role of this variant in disease. Therefore, it has been classified as a Variant of Uncertain Significance.

Literature cited by the submitters: PubMed 17576681; PubMed 9536098.

NM_005045.4(RELN):c.2303+6T>G

Gene: RELN (reelin; minus strand). Cytogenetic location: 7q22.1.
Variant type: single nucleotide variant.
Coding change: c.2303+6T>G on transcript NM_005045.4 (MANE Select); 6 bases into the intron after coding-DNA position 2303, T replaced by G.
Molecular consequence: intron variant.
Genome position (GRCh38, 1-based): chr7:103,636,229, A>C on the plus strand (T>G on the coding strand, the complement: RELN is on the minus strand). VCF-style: chr7-103636229-A-C. GRCh37 (hg19) VCF-style: chr7-103276676-A-C.
Other names: c.2303+6T>G (NM_173054.3).
Identifiers: ClinVar variation 2026160 (VCV002026160.4), dbSNP rs770278855, ClinGen allele CA4422042.